The following is an entry in ClinVar:

ClinVar aggregate classification (germline): Conflicting classifications of pathogenicity. Review status: criteria provided, conflicting classifications (1 of 4 stars). 4 submissions from 4 submitters: Uncertain significance (1); Likely benign (3). Last evaluated 2026-02-01.

Conditions:
Osteochondritis dissecans. Identifiers: Orphanet 251262, Orphanet 2764, MedGen C0029421, MONDO:0017178, HP:0010886.

Allele frequency attached by ClinVar (database versions not stated): ESP Exome Variant Server 0.00008; gnomAD 0.00020; ExAC 0.00024; TOPMed 0.00024; 1000 Genomes Project 30x 0.00062; 1000 Genomes Project 0.00080.
gnomAD v4.1: 281 of 1,612,440 alleles (0.017%); highest among the groups gnomAD compares: Admixed American, 0.1%; no homozygotes.

Submissions (4):

Labcorp Genetics (formerly Invitae), Labcorp
Classification: Likely benign. Last evaluated: 2026-02-01. Review status: criteria provided, single submitter. Criteria: Invitae Variant Classification Sherloc (09022015). Collection method: clinical testing. Allele origin: germline.

Women's Health and Genetics/Laboratory Corporation of America, LabCorp
Classification: Uncertain significance. Last evaluated: 2025-07-23. Review status: criteria provided, single submitter. Criteria: LabCorp Variant Classification Summary - May 2015. Collection method: clinical testing. Allele origin: germline.
Comment: Variant summary: ACAN c.913C>T (p.Arg305Cys) results in a non-conservative amino acid change in the encoded protein sequence. Algorithms developed to predict the effect of missense changes on protein structure and function are either unavailable or do not agree on the potential impact of this missense change. The variant allele was found at a frequency of 0.00021 in 243796 control chromosomes (gnomAD). This frequency is not significantly higher than estimated for a pathogenic variant in ACAN causing ACAN-Related Disorders, allowing no conclusion about variant significance. To our knowledge, no occurrence of c.913C>T in individuals affected with ACAN-Related Disorders and no experimental evidence demonstrating its impact on protein function have been reported. ClinVar contains an entry for this variant (Variation ID: 803117). Based on the evidence outlined above, the variant was classified as uncertain significance.

Blueprint Genetics
Classification: Likely benign. Last evaluated: 2024-09-13. Review status: criteria provided, single submitter. Criteria: ACMG Guidelines, 2015. Collection method: clinical testing. Allele origin: germline.

Mendelics
Classification: Likely benign for Short stature and advanced bone age, with or without early-onset osteoarthritis and/or osteochondritis dissecans. Last evaluated: 2019-05-28. Review status: criteria provided, single submitter. Criteria: Mendelics Assertion Criteria 2017. Collection method: clinical testing. Allele origin: unknown.

NM_001369268.1(ACAN):c.913C>T (p.Arg305Cys)

Gene: ACAN (aggrecan; plus strand). Cytogenetic location: 15q26.1.
Variant type: single nucleotide variant.
Coding change: c.913C>T on transcript NM_001369268.1 (MANE Select); coding-DNA position 913, C replaced by T.
Protein change: p.Arg305Cys; replaces arginine 305 with cysteine.
Molecular consequence: missense variant.
Genome position (GRCh38, 1-based): chr15:88,843,510, C>T. VCF-style: chr15-88843510-C-T. GRCh37 (hg19) VCF-style: chr15-89386741-C-T.
Other names: c.913C>T, p.Arg305Cys (NM_001135.4, NM_013227.4); short protein forms R305C.
Identifiers: ClinVar variation 803117 (VCV000803117.11), dbSNP rs372895171, ClinGen allele CA7719400.